The following is an entry in ClinVar:

NM_000090.4(COL3A1):c.1267G>A (p.Gly423Ser)

Gene: COL3A1 (collagen type III alpha 1 chain; plus strand). Cytogenetic location: 2q32.2.
Variant type: single nucleotide variant.
Coding change: c.1267G>A on transcript NM_000090.4 (MANE Select); coding-DNA position 1267, G replaced by A.
Protein change: p.Gly423Ser; replaces glycine 423 with serine.
Molecular consequence: missense variant.
Genome position (GRCh38, 1-based): chr2:188,994,306, G>A. VCF-style: chr2-188994306-G-A. GRCh37 (hg19) VCF-style: chr2-189859032-G-A.
Identifiers: ClinVar variation 101361 (VCV000101361.6), dbSNP rs587779631, ClinGen allele CA004186.
Genomic context (GRCh38, chr2:188,994,306, plus strand): 5'-ATTCCTGGAGCTCCTGGACTGATGGGAGCCCGGGGTCCTCCAGGACCAGCCGGTGCTAAT[G>A]GTGCTCCTGGACTGCGAGGTGGTGCAGTAAGTTGCCTTGTTTTTTCTCTGTTGACTGAAA-3'
Protein context (NP_000081.2, residues 413-433): RGPPGPAGAN[Gly423Ser]APGLRGGAGE

ClinVar aggregate classification (germline): Pathogenic/Likely pathogenic. Review status: criteria provided, multiple submitters, no conflicts (2 of 4 stars). 3 submissions from 3 submitters: Pathogenic (1); Likely pathogenic (1). 1 of the submissions does not count toward it. Last evaluated 2025-03-13.

Conditions:
Ehlers-Danlos syndrome, type 4 (EDSVASC). Also called: Ehlers-Danlos syndrome vascular type; Ehlers Danlos syndrome, ecchymotic type; Ehlers Danlos syndrome, arterial type; Ehlers Danlos syndrome, Sack-Barabas type; Ehlers-Danlos Syndrome Type IV. Identifiers: Orphanet 286, MedGen C0268338, MONDO:0017314, OMIM 130050.

Submissions (3):

Labcorp Genetics (formerly Invitae), Labcorp
Classification: Likely pathogenic for Ehlers-Danlos syndrome, type 4. Last evaluated: 2025-03-13. Review status: criteria provided, single submitter. Criteria: Invitae Variant Classification Sherloc (09022015). Collection method: clinical testing. Allele origin: germline.
Comment: This sequence change replaces glycine, which is neutral and non-polar, with serine, which is neutral and polar, at codon 423 of the COL3A1 protein (p.Gly423Ser). This variant is not present in population databases (gnomAD no frequency). This missense change has been observed in individual(s) with Ehlers-Danlos syndrome (PMID: 24922459). ClinVar contains an entry for this variant (Variation ID: 101361). Invitae Evidence Modeling of protein sequence and biophysical properties (such as structural, functional, and spatial information, amino acid conservation, physicochemical variation, residue mobility, and thermodynamic stability) indicates that this missense variant is expected to disrupt COL3A1 protein function with a positive predictive value of 95%. This variant disrupts the triple helix domain of COL3A1. Glycine residues within the Gly-Xaa-Yaa repeats of the triple helix domain are required for the structure and stability of fibrillar collagens (PMID: 7695699, 8218237, 19344236). In COL3A1, variants that affect these glycine residues are significantly enriched in individuals with disease (PMID: 24922459, 25758994) compared to the general population (ExAC). In summary, the currently available evidence indicates that the variant is pathogenic, but additional data are needed to prove that conclusively. Therefore, this variant has been classified as Likely Pathogenic.

GeneDx
Classification: Pathogenic. Last evaluated: 2020-07-28. Review status: criteria provided, single submitter. Criteria: GeneDx Variant Classification Process June 2021. Collection method: clinical testing. Allele origin: germline. Affected: yes.
Comment: Has been reported in association with vascular EDS (Pepin et al., 2014); Not observed in large population cohorts (Lek et al., 2016); In silico analysis supports that this missense variant has a deleterious effect on protein structure/function; Occurs in the triple helical domain and replaces the glycine in the canonical Gly-X-Y repeat; missense substitution of a canonical glycine residue is expected to disrupt normal protein folding and function, and this is an established mechanism of disease (Stenson et al., 2014); Reported in ClinVar as pathogenic (ClinVar Variant ID# 101361; Landrum et al., 2016); This variant is associated with the following publications: (PMID: 24922459)

Collagen Diagnostic Laboratory, University of Washington
Classification: Pathogenic for Ehlers-Danlos syndrome, type 4. Review status: no assertion criteria provided. Collection method: clinical testing. Allele origin: germline. Affected: yes. Not counted in ClinVar's aggregate classification.

Literature cited by the submitters: PubMed 24922459 (cited by Labcorp Genetics (formerly Invitae), Labcorp); PubMed 7695699 (cited by Labcorp Genetics (formerly Invitae), Labcorp); PubMed 8218237 (cited by Labcorp Genetics (formerly Invitae), Labcorp); PubMed 19344236 (cited by Labcorp Genetics (formerly Invitae), Labcorp); PubMed 25758994 (cited by Labcorp Genetics (formerly Invitae), Labcorp).